The following is an entry in ClinVar:

NM_177965.4(CFAP418):c.355G>A (p.Gly119Arg)

Gene: CFAP418 (cilia and flagella associated protein 418; minus strand). Cytogenetic location: 8q22.1.
Variant type: single nucleotide variant.
Coding change: c.355G>A on transcript NM_177965.4 (MANE Select); coding-DNA position 355, G replaced by A.
Protein change: p.Gly119Arg; replaces glycine 119 with arginine.
Molecular consequence: missense variant.
Genome position (GRCh38, 1-based): chr8:95,259,859, C>T on the plus strand (G>A on the coding strand, the complement: CFAP418 is on the minus strand). VCF-style: chr8-95259859-C-T. GRCh37 (hg19) VCF-style: chr8-96272087-C-T.
Other names: c.355G>A, p.Gly119Arg (NM_001363260.1); short protein forms G119R.
Identifiers: ClinVar variation 4997678 (VCV004997678.1).

ClinVar aggregate classification (germline): Uncertain significance (1 of 4 stars; one submission).

Conditions:
CFAP418-related disorder. Also called: CFAP418-related condition.

Submission:

PreventionGenetics, part of Exact Sciences
Classification: Uncertain significance for CFAP418-related condition. Last evaluated: 2025-11-25. Review status: criteria provided, single submitter. Criteria: ACMG Guidelines, 2015. Collection method: clinical testing. Allele origin: germline.
Comment: The CFAP418 c.355G>A variant is predicted to result in the amino acid substitution p.Gly119Arg. To our knowledge, this variant has not been reported in the literature or in a large population database (gnomAD), indicating this variant is rare. At this time, the clinical significance of this variant is uncertain due to the absence of conclusive functional and genetic evidence.